The following is an entry in ClinVar:

ClinVar aggregate classification (germline): Uncertain significance (1 of 4 stars; one submission).

Submission:

Labcorp Genetics (formerly Invitae), Labcorp
Classification: Uncertain significance. Last evaluated: 2021-12-13. Review status: criteria provided, single submitter. Criteria: Invitae Variant Classification Sherloc (09022015). Collection method: clinical testing. Allele origin: germline.
Comment: This variant has not been reported in the literature in individuals affected with NBAS-related conditions. This variant is not present in population databases (gnomAD no frequency). This variant, c.2445_2446insATCAATTTCATCTATATC, results in the insertion of 6 amino acid(s) of the NBAS protein (p.Leu815_Gln816insIleAsnPheIleTyrIle), but otherwise preserves the integrity of the reading frame. In summary, the available evidence is currently insufficient to determine the role of this variant in disease. Therefore, it has been classified as a Variant of Uncertain Significance.

NM_015909.4(NBAS):c.2445_2446insATCAATTTCATCTATATC (p.Leu815_Gln816insIleAsnPheIleTyrIle)

Gene: NBAS (NBAS subunit of NRZ tethering complex; minus strand). Cytogenetic location: 2p24.3.
Variant type: Insertion.
Coding change: c.2445_2446insATCAATTTCATCTATATC on transcript NM_015909.4 (MANE Select); coding-DNA positions 2445 to 2446, ATCAATTTCATCTATATC inserted.
Protein change: p.Leu815_Gln816insIleAsnPheIleTyrIle.
Molecular consequence: inframe insertion. On other transcripts: non-coding transcript variant (1).
Genome position: GRCh38 VCF-style: chr2-15424446-G-GGATATAGATGAAATTGAT. GRCh37 (hg19) VCF-style: chr2-15564570-G-GGATATAGATGAAATTGAT.
Identifiers: ClinVar variation 2045291 (VCV002045291.4), dbSNP rs2529058872, ClinGen allele CA2580063647.